The following is an entry in ClinVar:

ClinVar aggregate classification (germline): Uncertain significance (1 of 4 stars; one submission).

Submission:

Labcorp Genetics (formerly Invitae), Labcorp
Classification: Uncertain significance. Last evaluated: 2024-09-17. Review status: criteria provided, single submitter. Criteria: Invitae Variant Classification Sherloc (09022015). Collection method: clinical testing. Allele origin: germline.
Comment: This sequence change affects codon 1676 of the CLTC mRNA. It is a 'silent' change, meaning that it does not change the encoded amino acid sequence of the CLTC protein. This variant is not present in population databases (gnomAD no frequency). This variant has not been reported in the literature in individuals affected with CLTC-related conditions. Algorithms developed to predict the effect of sequence changes on RNA splicing suggest that this variant may create or strengthen a splice site. In summary, the available evidence is currently insufficient to determine the role of this variant in disease. Therefore, it has been classified as a Variant of Uncertain Significance.

NM_004859.4(CLTC):c.5016G>A (p.Gly1672=)

Gene: CLTC (clathrin heavy chain; plus strand). Cytogenetic location: 17q23.1.
Variant type: single nucleotide variant.
Coding change: c.5016G>A on transcript NM_004859.4 (MANE Select); coding-DNA position 5016, G replaced by A.
Protein change: p.Gly1672=; no amino-acid change (glycine 1672 retained).
Molecular consequence: synonymous variant.
Genome position (GRCh38, 1-based): chr17:59,693,840, G>A. VCF-style: chr17-59693840-G-A. GRCh37 (hg19) VCF-style: chr17-57771201-G-A.
Other names: c.5028G>A, p.Gly1676= (NM_001288653.2).
Identifiers: ClinVar variation 3717681 (VCV003717681.2).